The following is an entry in ClinVar:

NM_001369.3(DNAH5):c.5326del (p.Asp1776fs)

Gene: DNAH5 (dynein axonemal heavy chain 5; minus strand). Cytogenetic location: 5p15.2.
Variant type: Deletion.
Coding change: c.5326del on transcript NM_001369.3 (MANE Select); coding-DNA position 5326, one base deleted (G; older notation c.5326delG).
Protein change: p.Asp1776fs; shifts the reading frame from aspartic acid 1776.
Molecular consequence: frameshift variant.
Genome position (GRCh38, 1-based): chr5:13,841,850, C deleted on the plus strand (G on the coding strand, the reverse complement: DNAH5 is on the minus strand); the first of 2 consecutive C bases (chr5:13,841,850-13,841,851); deleting either gives the same sequence. VCF-style (leftmost placement, unchanged base first): chr5-13841849-TC-T. GRCh37 (hg19) VCF-style: chr5-13841958-TC-T.
Other names: short protein forms D1776fs.
Identifiers: ClinVar variation 1746846 (VCV001746846.3), dbSNP rs2546911765, ClinGen allele CA2580072091.

ClinVar aggregate classification (germline): Pathogenic. Review status: criteria provided, multiple submitters, no conflicts (2 of 4 stars). 2 submissions from 2 submitters: Pathogenic (2). Last evaluated 2024-06-03.

Conditions:
Primary ciliary dyskinesia 3. Identifiers: Orphanet 244, MedGen C1837618, MONDO:0012085, OMIM 608644.
Primary ciliary dyskinesia. Also called: Ciliary dyskinesia. Identifiers: Orphanet 244, MedGen C0008780, MONDO:0016575, HP:0012265.

Submissions (2):

Myriad Genetics, Inc.
Classification: Pathogenic for Primary ciliary dyskinesia 3. Last evaluated: 2024-06-03. Review status: criteria provided, single submitter. Criteria: Myriad Autosomal Dominant, Autosomal Recessive and X-Linked Classification Criteria (2023). Collection method: clinical testing. Allele origin: unknown.
Comment: NM_001369.2(DNAH5):c.5326delG(D1776Ifs*28) is expected to be pathogenic in the context of primary ciliary dyskinesia, DNAH5-related. This variant is predicted to lead to an abnormal or absent protein product due to the creation of a premature termination codon in DNAH5, a gene where loss-of-function variants are known to be pathogenic. Please note: this variant was assessed in the context of healthy population screening.

Ambry Genetics
Classification: Pathogenic for Primary ciliary dyskinesia. Last evaluated: 2020-09-23. Review status: criteria provided, single submitter. Criteria: Ambry Variant Classification Scheme 2023. Collection method: clinical testing. Allele origin: germline.
Comment: The c.5326delG pathogenic mutation, located in coding exon 33 of the DNAH5 gene, results from a deletion of one nucleotide at nucleotide position 5326, causing a translational frameshift with a predicted alternate stop codon (p.D1776Ifs*28). This alteration is expected to result in loss of function by premature protein truncation or nonsense-mediated mRNA decay. As such, this alteration is interpreted as a disease-causing mutation.